The following is an entry in ClinVar:

ClinVar aggregate classification (germline): Uncertain significance (1 of 4 stars; one submission).

Conditions:
Hereditary cancer-predisposing syndrome. Also called: Hereditary Cancer Syndrome; Hereditary neoplastic syndrome; Neoplastic Syndromes, Hereditary; Tumor predisposition. Identifiers: Orphanet 140162, MedGen C0027672, MeSH D009386, MONDO:0015356.

Submission:

Ambry Genetics
Classification: Uncertain significance for Hereditary cancer-predisposing syndrome. Last evaluated: 2020-12-08. Review status: criteria provided, single submitter. Criteria: Ambry Variant Classification Scheme 2023. Collection method: clinical testing. Allele origin: germline.
Comment: The p.L1472W variant (also known as c.4415T>G), located in coding exon 28 of the ATM gene, results from a T to G substitution at nucleotide position 4415. The leucine at codon 1472 is replaced by tryptophan, an amino acid with similar properties. This amino acid position is well conserved in available vertebrate species. In addition, this alteration is predicted to be deleterious by in silico analysis. Since supporting evidence is limited at this time, the clinical significance of this alteration remains unclear.

NM_000051.4(ATM):c.4415T>G (p.Leu1472Trp)

Gene: ATM (ATM serine/threonine kinase; plus strand). Cytogenetic location: 11q22.3.
Variant type: single nucleotide variant.
Coding change: c.4415T>G on transcript NM_000051.4 (MANE Select); coding-DNA position 4415, T replaced by G.
Protein change: p.Leu1472Trp; replaces leucine 1472 with tryptophan.
Molecular consequence: missense variant.
Genome position (GRCh38, 1-based): chr11:108,289,780, T>G. VCF-style: chr11-108289780-T-G. GRCh37 (hg19) VCF-style: chr11-108160507-T-G.
Other names: c.4415T>G, p.Leu1472Trp (NM_001351834.2); short protein forms L1472W.
Identifiers: ClinVar variation 1740432 (VCV001740432.2), dbSNP rs772555314, ClinGen allele CA382532249.